The following is an entry in ClinVar:

NM_000384.3(APOB):c.7739T>C (p.Leu2580Ser)

Gene: APOB (apolipoprotein B; minus strand). Cytogenetic location: 2p24.1.
Variant type: single nucleotide variant.
Coding change: c.7739T>C on transcript NM_000384.3 (MANE Select); coding-DNA position 7739, T replaced by C.
Protein change: p.Leu2580Ser; replaces leucine 2580 with serine.
Molecular consequence: missense variant.
Genome position (GRCh38, 1-based): chr2:21,009,129, A>G on the plus strand (T>C on the coding strand, the complement: APOB is on the minus strand). VCF-style: chr2-21009129-A-G. GRCh37 (hg19) VCF-style: chr2-21232001-A-G.
Other names: short protein forms L2580S.
Identifiers: ClinVar variation 2562186 (VCV002562186.5), dbSNP rs763409720, ClinGen allele CA064756.
Genomic context (GRCh38, chr2:21,009,129, plus strand): 5'-AAGGCAGGCATGGTCCCAAGGATGGTCTTGATTTCAGGAACAGTGAACCCTTGCTCTACC[A>G]ATGCTTTCATACGTTTAGCCCAATCTTGGATAGAATATTGCTCTGCAAAGTCAGTAAGGT-3'
Protein context (NP_000375.3, residues 2570-2590): IQDWAKRMKA[Leu2580Ser]VEQGFTVPEI

ClinVar aggregate classification (germline): Conflicting classifications of pathogenicity. Review status: criteria provided, conflicting classifications (1 of 4 stars). 3 submissions from 3 submitters: Uncertain significance (2); Likely benign (1). Last evaluated 2025-02-22.

Conditions:
Familial hypobetalipoproteinemia 1. Also called: APOB-Related Familial Hypobetalipoproteinemia; Hypobetalipoproteinemia, normotriglyceridemic; Acanthocytosis with hypobetalipoproteinemia. Identifiers: MedGen C4551990, MONDO:0014252, OMIM 615558.
Hypercholesterolemia, autosomal dominant, type B (FHCL2). Also called: APOLIPOPROTEIN B-100, FAMILIAL DEFECTIVE; APOLIPOPROTEIN B-100, FAMILIAL LIGAND-DEFECTIVE; HYPERCHOLESTEROLEMIA, FAMILIAL, DUE TO LIGAND-DEFECTIVE APOLIPOPROTEIN B; Familial Hypercholesterolemia Type B; Familial hypercholesterolemia 2; APOB-Related Familial Hypercholesterolemia, Autosomal Dominant. Identifiers: MedGen C1704417, MONDO:0007751, OMIM 144010.
Cardiovascular phenotype. Identifiers: MedGen CN230736.

Allele frequency attached by ClinVar (database versions not stated): TOPMed below 0.00001; gnomAD exomes 0.00001; ExAC 0.00002.
gnomAD v4.1: 8 of 1,614,050 alleles (0.0005%); highest among the groups gnomAD compares: Non-Finnish European, 0.00059%; no homozygotes.

Submissions (3):

GeneDx
Classification: Uncertain significance. Last evaluated: 2025-02-22. Review status: criteria provided, single submitter. Criteria: GeneDx Variant Classification Process June 2021. Collection method: clinical testing. Allele origin: germline. Affected: yes.
Comment: Not observed at significant frequency in large population cohorts (gnomAD); In silico analysis supports that this missense variant has a deleterious effect on protein structure/function; Has not been previously published as pathogenic or benign to our knowledge

Labcorp Genetics (formerly Invitae), Labcorp
Classification: Likely benign for Familial hypobetalipoproteinemia 1; Hypercholesterolemia, autosomal dominant, type B. Last evaluated: 2024-03-07. Review status: criteria provided, single submitter. Criteria: Invitae Variant Classification Sherloc (09022015). Collection method: clinical testing. Allele origin: germline.

Ambry Genetics
Classification: Uncertain significance for Cardiovascular phenotype. Last evaluated: 2023-04-18. Review status: criteria provided, single submitter. Criteria: Ambry Variant Classification Scheme 2023. Collection method: clinical testing. Allele origin: germline.
Comment: The p.L2580S variant (also known as c.7739T>C), located in coding exon 26 of the APOB gene, results from a T to C substitution at nucleotide position 7739. The leucine at codon 2580 is replaced by serine, an amino acid with dissimilar properties. This amino acid position is conserved. In addition, this alteration is predicted to be tolerated by in silico analysis. Since supporting evidence is limited at this time, the clinical significance of this alteration remains unclear.